The following is an entry in ClinVar:

ClinVar aggregate classification (germline): Likely pathogenic (1 of 4 stars; one submission).

Conditions:
X-linked Alport syndrome (ATS1). Also called: COL4A5-Related Nephropathy; NEPHROPATHY AND DEAFNESS, X-LINKED. Identifiers: Orphanet 63, Orphanet 88917, MedGen C4746986, MONDO:0010520, OMIM 301050.

Submission:

Myriad Genetics, Inc.
Classification: Likely pathogenic for X-linked Alport syndrome. Last evaluated: 2022-02-17. Review status: criteria provided, single submitter. Criteria: Myriad Women's Health Autosomal Recessive and X-Linked Classification Criteria (2021). Collection method: clinical testing. Allele origin: unknown.
Comment: NM_000495.4(COL4A5):c.694C>T(Q232*) is expected to be pathogenic in the context of X-linked Alport syndrome. This variant is predicted to lead to an abnormal or absent protein product due to the creation of a premature termination codon in COL4A5, a gene where loss-of-function variants are known to be pathogenic. Please note: this variant was assessed in the context of healthy population screening.

NM_033380.3(COL4A5):c.694C>T (p.Gln232Ter)

Gene: COL4A5 (collagen type IV alpha 5 chain; plus strand). Cytogenetic location: Xq22.3.
Variant type: single nucleotide variant.
Coding change: c.694C>T on transcript NM_033380.3 (MANE Select); coding-DNA position 694, C replaced by T.
Protein change: p.Gln232Ter; replaces glutamine 232 with a stop codon.
Molecular consequence: nonsense.
Genome position (GRCh38, 1-based): chrX:108,578,297, C>T. VCF-style: chrX-108578297-C-T. GRCh37 (hg19) VCF-style: chrX-107821527-C-T.
Other names: c.694C>T, p.Gln232Ter (NM_000495.5); short protein forms Q232*.
Identifiers: ClinVar variation 1724426 (VCV001724426.2), dbSNP rs2524235865, ClinGen allele CA413924048.